The following is an entry in ClinVar:

NM_181458.4(PAX3):c.346A>T (p.Lys116Ter)

Gene: PAX3 (paired box 3; minus strand). Cytogenetic location: 2q36.1.
Variant type: single nucleotide variant.
Coding change: c.346A>T on transcript NM_181458.4 (MANE Select); coding-DNA position 346, A replaced by T.
Protein change: p.Lys116Ter; replaces lysine 116 with a stop codon.
Molecular consequence: nonsense.
Genome position (GRCh38, 1-based): chr2:222,295,633, T>A on the plus strand (A>T on the coding strand, the complement: PAX3 is on the minus strand). VCF-style: chr2-222295633-T-A. GRCh37 (hg19) VCF-style: chr2-223160352-T-A.
Other names: c.346A>T, p.Lys116Ter (NM_000438.6, NM_013942.5, NM_181457.4 and 3 more transcripts); c.343A>T, p.Lys115Ter (NM_001127366.3); short protein forms K115*, K116*.
Identifiers: ClinVar variation 3651987 (VCV003651987.2).

ClinVar aggregate classification (germline): Pathogenic (1 of 4 stars; one submission).

Submission:

Labcorp Genetics (formerly Invitae), Labcorp
Classification: Pathogenic. Last evaluated: 2024-05-02. Review status: criteria provided, single submitter. Criteria: Invitae Variant Classification Sherloc (09022015). Collection method: clinical testing. Allele origin: germline.
Comment: This sequence change creates a premature translational stop signal (p.Lys116*) in the PAX3 gene. It is expected to result in an absent or disrupted protein product. Loss-of-function variants in PAX3 are known to be pathogenic (PMID: 20127975, 23512835). This variant is not present in population databases (gnomAD no frequency). This variant has not been reported in the literature in individuals affected with PAX3-related conditions. For these reasons, this variant has been classified as Pathogenic.

Literature cited by the submitters: PubMed 20127975; PubMed 23512835.